The following is an entry in ClinVar:

ClinVar aggregate classification (germline): Uncertain significance (1 of 4 stars; one submission).

Conditions:
Neutral lipid storage myopathy (NLSDM). Also called: NEUTRAL LIPID STORAGE DISEASE WITHOUT ICHTHYOSIS. Identifiers: Orphanet 98908, MedGen C1853136, MONDO:0012545, OMIM 610717.

Allele frequency attached by ClinVar (database versions not stated): TOPMed below 0.00001; gnomAD 0.00001.

Submission:

Labcorp Genetics (formerly Invitae), Labcorp
Classification: Uncertain significance for Neutral lipid storage myopathy. Last evaluated: 2022-07-12. Review status: criteria provided, single submitter. Criteria: Invitae Variant Classification Sherloc (09022015). Collection method: clinical testing. Allele origin: germline.
Comment: Algorithms developed to predict the effect of missense changes on protein structure and function are either unavailable or do not agree on the potential impact of this missense change (SIFT: "Tolerated"; PolyPhen-2: "Possibly Damaging"; Align-GVGD: "Class C0"). In summary, the available evidence is currently insufficient to determine the role of this variant in disease. Therefore, it has been classified as a Variant of Uncertain Significance. This variant has not been reported in the literature in individuals affected with PNPLA2-related conditions. This variant is present in population databases (no rsID available, gnomAD 0.0009%). This sequence change replaces serine, which is neutral and polar, with cysteine, which is neutral and slightly polar, at codon 323 of the PNPLA2 protein (p.Ser323Cys).

NM_020376.4(PNPLA2):c.968C>G (p.Ser323Cys)

Gene: PNPLA2 (patatin like domain 2, triacylglycerol lipase; plus strand). Cytogenetic location: 11p15.5.
Variant type: single nucleotide variant.
Coding change: c.968C>G on transcript NM_020376.4 (MANE Select); coding-DNA position 968, C replaced by G.
Protein change: p.Ser323Cys; replaces serine 323 with cysteine.
Molecular consequence: missense variant.
Genome position (GRCh38, 1-based): chr11:824,046, C>G. VCF-style: chr11-824046-C-G. GRCh37 (hg19) VCF-style: chr11-824046-C-G.
Other names: short protein forms S323C.
Identifiers: ClinVar variation 1949703 (VCV001949703.5), dbSNP rs773811162, ClinGen allele CA378983656.